The following is an entry in ClinVar:

NM_139017.7(IL31RA):c.59A>G (p.Asn20Ser)

Gene: IL31RA (interleukin 31 receptor A; plus strand). Cytogenetic location: 5q11.2.
Variant type: single nucleotide variant.
Coding change: c.59A>G on transcript NM_139017.7 (MANE Select); coding-DNA position 59, A replaced by G.
Protein change: p.Asn20Ser; replaces asparagine 20 with serine.
Molecular consequence: missense variant. On other transcripts: 5 prime UTR variant (1).
Genome position (GRCh38, 1-based): chr5:55,851,629, A>G. VCF-style: chr5-55851629-A-G. GRCh37 (hg19) VCF-style: chr5-55147457-A-G.
Other names: c.59A>G, p.Asn20Ser (NM_001242637.2, NM_001297570.3); c.-363A>G (NM_001242638.2); short protein forms N20S.
Identifiers: ClinVar variation 1049958 (VCV001049958.1), dbSNP rs1169339313, ClinGen allele CA359766721.
Genomic context (GRCh38, chr5:55,851,629, plus strand): 5'-GAATGTGCATCAGGCAACTCAAGTTTTTCACCACGGCATGTGTCTGTGAATGTCCGCAAA[A>G]CATTGTGAGTATTGATTTGGGGGGTTACAAATAATTCCTAGCAAGTAGGTGAATTCACAA-3'
Protein context (NP_620586.3, residues 10-30): TTACVCECPQ[Asn20Ser]ILSPQPSCVN

ClinVar aggregate classification (germline): Uncertain significance (0 of 4 stars; one submission).

Allele frequency attached by ClinVar (database versions not stated): gnomAD exomes below 0.00001 and 0.00001.
gnomAD v4.1: 3 of 1,613,872 alleles (0.00019%); highest among the groups gnomAD compares: Non-Finnish European, 0.00025%; no homozygotes.

Submission:

Department of Pathology and Laboratory Medicine, Sinai Health System
Classification: Uncertain significance. Review status: no assertion criteria provided. Collection method: clinical testing. Allele origin: unknown. Affected: yes. Study: The Canadian Open Genetics Repository (COGR).
Comment: The IL31RA p.Asn20Ser variant was not identified in the literature nor was it identified in ClinVar. The variant was identified in dbSNP (ID: rs1169339313) and in control databases in 1 of 246186 chromosomes at a frequency of 0.000004062 (Genome Aggregation Database March 6, 2019, v2.1.1). The variant was observed in the European (non-Finnish) population in 1 of 110050 chromosomes (freq: 0.000009), but was not observed in the African, Latino, Ashkenazi Jewish, East Asian, European (Finnish), Other, or South Asian populations. The p.Asn20 residue is conserved across mammals and other organisms however four out of five computational analyses (PolyPhen-2, SIFT, AlignGVGD, BLOSUM, MutationTaster) do not suggest a high likelihood of impact to the protein; this information is not predictive enough to rule out pathogenicity. The variant occurs outside of the splicing consensus sequence and in silico or computational prediction software programs (SpliceSiteFinder, MaxEntScan, NNSPLICE, GeneSplicer) do not predict a difference in splicing. In summary, based on the above information the clinical significance of this variant cannot be determined with certainty at this time. This variant is classified as a variant of uncertain significance.